The following is an entry in ClinVar:

ClinVar aggregate classification (germline): Pathogenic/Likely pathogenic. Review status: criteria provided, multiple submitters, no conflicts (2 of 4 stars). 3 submissions from 3 submitters: Pathogenic (1); Likely pathogenic (2). Last evaluated 2019-12-26.

Conditions:
Congenital contractures of the limbs and face, hypotonia, and developmental delay (CLIFAHDD). Identifiers: Orphanet 562528, MedGen C4225398, MONDO:0014556, OMIM 616266.
Hypotonia, infantile, with psychomotor retardation and characteristic facies 1 (INNFD). Identifiers: Orphanet 371364, Orphanet 700336, MedGen C3809454, MONDO:0024567, OMIM 615419.
Inborn genetic diseases. Identifiers: MedGen C0950123, MeSH D030342.

Allele frequency attached by ClinVar (database versions not stated): gnomAD exomes 0.00001 and below 0.00001.
gnomAD v4.1: 17 of 1,613,116 alleles (0.0011%); highest among the groups gnomAD compares: Non-Finnish European, 0.0014%; no homozygotes.

Submissions (3):

GeneDx
Classification: Pathogenic. Last evaluated: 2019-12-26. Review status: criteria provided, single submitter. Criteria: GeneDx Variant Classification Process June 2021. Collection method: clinical testing. Allele origin: germline. Affected: yes.
Comment: Canonical splice site variant in a gene for which loss-of-function is a known mechanism of disease; Has not been previously published as pathogenic or benign to our knowledge

Fulgent Genetics
Classification: Likely pathogenic for Hypotonia, infantile, with psychomotor retardation and characteristic facies 1; Congenital contractures of the limbs and face, hypotonia, and developmental delay. Last evaluated: 2018-10-31. Review status: criteria provided, single submitter. Criteria: ACMG Guidelines, 2015. Collection method: clinical testing. Allele origin: unknown.

Ambry Genetics
Classification: Likely pathogenic for Inborn genetic diseases. Last evaluated: 2017-10-18. Review status: criteria provided, single submitter. Criteria: Ambry exome assertion method (8-5-2015). Collection method: clinical testing. Allele origin: germline. Affected: yes. Observed: 1 variant allele.

NM_052867.4(NALCN):c.4755+1G>T

Gene: NALCN (sodium leak channel, non-selective; minus strand). Cytogenetic location: 13q32.3.
Variant type: single nucleotide variant.
Coding change: c.4755+1G>T on transcript NM_052867.4 (MANE Select); the canonical splice donor site of the intron after coding-DNA position 4755, G replaced by T.
Molecular consequence: splice donor variant.
Genome position (GRCh38, 1-based): chr13:101,061,967, C>A on the plus strand (G>T on the coding strand, the complement: NALCN is on the minus strand). VCF-style: chr13-101061967-C-A. GRCh37 (hg19) VCF-style: chr13-101714319-C-A.
Other names: c.4842+1G>T (NM_001350748.2); c.4668+1G>T (NM_001350751.2, NM_001350750.2); c.4755+1G>T (NM_001350749.2).
Identifiers: ClinVar variation 522142 (VCV000522142.7), dbSNP rs1158141270, ClinGen allele CA388644323.